The following is an entry in ClinVar:

ClinVar aggregate classification (germline): Conflicting classifications of pathogenicity. Review status: criteria provided, conflicting classifications (1 of 4 stars). 2 submissions from 2 submitters: Uncertain significance (1); Likely benign (1). Last evaluated 2023-03-23.

Conditions:
Hereditary cancer-predisposing syndrome. Also called: Tumor predisposition; Hereditary neoplastic syndrome; Neoplastic Syndromes, Hereditary; Hereditary Cancer Syndrome. Identifiers: Orphanet 140162, MedGen C0027672, MeSH D009386, MONDO:0015356.
Breast neoplasm. Also called: Neoplasm of breast; Breast tumor; Neoplasm of the breast; Breast Neoplasms. Identifiers: MedGen C1458155, MeSH D001943, MONDO:0021100, HP:0100013. Disease mechanism: gain of function.

Submissions (2):

University of Washington Department of Laboratory Medicine, University of Washington
Classification: Likely benign for Hereditary cancer-predisposing syndrome. Last evaluated: 2023-03-23. Review status: criteria provided, single submitter. Criteria: Dines et al. (Genet Med. 2020). Collection method: curation. Allele origin: germline.
Comment: Missense variant in a coldspot region where missense variants are very unlikely to be pathogenic (PMID:31911673).

BRCA2 exon 11 coldspot. Reclassification based on statistical prior probability.

Laboratory of Molecular Diagnosis of Cancer, West China Hospital, Sichuan University
Classification: Uncertain significance for Breast neoplasm. Last evaluated: 2015-11-01. Review status: criteria provided, single submitter. Criteria: ACMG Guidelines, 2015. Collection method: research. Allele origin: somatic. Affected: yes. Observed: 1 variant allele.

Literature cited by the submitters: PubMed 27257965 (cited by Laboratory of Molecular Diagnosis of Cancer, West China Hospital, Sichuan University).

NM_000059.4(BRCA2):c.3052A>C (p.Lys1018Gln)

Gene: BRCA2 (BRCA2 DNA repair associated; plus strand). Cytogenetic location: 13q13.1.
Variant type: single nucleotide variant.
Coding change: c.3052A>C on transcript NM_000059.4 (MANE Select); coding-DNA position 3052, A replaced by C.
Protein change: p.Lys1018Gln; replaces lysine 1018 with glutamine.
Molecular consequence: missense variant.
Genome position (GRCh38, 1-based): chr13:32,337,407, A>C. VCF-style: chr13-32337407-A-C. GRCh37 (hg19) VCF-style: chr13-32911544-A-C.
Other names: short protein forms K1018Q.
Identifiers: ClinVar variation 224463 (VCV000224463.3), dbSNP rs886037810, ClinGen allele CA10575914.